The following is an entry in ClinVar:

NM_001961.4(EEF2):c.981C>G (p.Asp327Glu)

Gene: EEF2 (eukaryotic translation elongation factor 2; minus strand). Cytogenetic location: 19p13.3.
Variant type: single nucleotide variant.
Coding change: c.981C>G on transcript NM_001961.4 (MANE Select); coding-DNA position 981, C replaced by G.
Protein change: p.Asp327Glu; replaces aspartic acid 327 with glutamic acid.
Molecular consequence: missense variant.
Genome position (GRCh38, 1-based): chr19:3,981,369, G>C on the plus strand (C>G on the coding strand, the complement: EEF2 is on the minus strand). VCF-style: chr19-3981369-G-C. GRCh37 (hg19) VCF-style: chr19-3981367-G-C.
Other names: short protein forms D327E.
Identifiers: ClinVar variation 2991158 (VCV002991158.3), dbSNP rs762204921, ClinGen allele CA304443325.

ClinVar aggregate classification (germline): Uncertain significance (1 of 4 stars; one submission).

Allele frequency attached by ClinVar (database versions not stated): TOPMed 0.00001.

Submission:

Labcorp Genetics (formerly Invitae), Labcorp
Classification: Uncertain significance. Last evaluated: 2023-03-10. Review status: criteria provided, single submitter. Criteria: Invitae Variant Classification Sherloc (09022015). Collection method: clinical testing. Allele origin: germline.
Comment: This sequence change replaces aspartic acid, which is acidic and polar, with glutamic acid, which is acidic and polar, at codon 327 of the EEF2 protein (p.Asp327Glu). This variant is not present in population databases (gnomAD no frequency). This variant has not been reported in the literature in individuals affected with EEF2-related conditions. Advanced modeling of protein sequence and biophysical properties (such as structural, functional, and spatial information, amino acid conservation, physicochemical variation, residue mobility, and thermodynamic stability) performed at Invitae indicates that this missense variant is not expected to disrupt EEF2 protein function. In summary, the available evidence is currently insufficient to determine the role of this variant in disease. Therefore, it has been classified as a Variant of Uncertain Significance.